The following is an entry in ClinVar:

ClinVar aggregate classification (germline): Uncertain significance (1 of 4 stars; one submission).

Conditions:
Myopathy, proximal, and ophthalmoplegia (CMYO6). Also called: CONGENITAL MYOPATHY 6 WITH OPHTHALMOPLEGIA; MYOPATHY WITH CONGENITAL JOINT CONTRACTURES, OPHTHALMOPLEGIA, AND RIMMED VACUOLES; INCLUSION BODY MYOPATHY 3, AUTOSOMAL DOMINANT. Identifiers: Orphanet 363677, Orphanet 79091, MedGen C1854106, MONDO:0011577, OMIM 605637.

Submission:

Labcorp Genetics (formerly Invitae), Labcorp
Classification: Uncertain significance for Myopathy, proximal, and ophthalmoplegia. Last evaluated: 2024-04-19. Review status: criteria provided, single submitter. Criteria: Invitae Variant Classification Sherloc (09022015). Collection method: clinical testing. Allele origin: germline.
Comment: This sequence change falls in intron 37 of the MYH2 gene. It does not directly change the encoded amino acid sequence of the MYH2 protein. It affects a nucleotide within the consensus splice site. This variant is not present in population databases (gnomAD no frequency). This variant has not been reported in the literature in individuals affected with MYH2-related conditions. Variants that disrupt the consensus splice site are a relatively common cause of aberrant splicing (PMID: 17576681, 9536098). Algorithms developed to predict the effect of sequence changes on RNA splicing suggest that this variant is not likely to affect RNA splicing. In summary, the available evidence is currently insufficient to determine the role of this variant in disease. Therefore, it has been classified as a Variant of Uncertain Significance.

Literature cited by the submitters: PubMed 17576681; PubMed 9536098.

NM_017534.6(MYH2):c.5472+4G>T

Genes: MYHAS (myosin heavy chain gene cluster antisense RNA; plus strand), MYH2 (myosin heavy chain 2; minus strand). Cytogenetic location: 17p13.1.
Variant type: single nucleotide variant.
Coding change: c.5472+4G>T on transcript NM_017534.6 (MANE Select); 4 bases into the intron after coding-DNA position 5472, G replaced by T.
Molecular consequence: intron variant.
Genome position (GRCh38, 1-based): chr17:10,523,492, C>A on the plus strand (G>T on the coding strand, the complement: MYH2 is on the minus strand). VCF-style: chr17-10523492-C-A. GRCh37 (hg19) VCF-style: chr17-10426809-C-A.
Other names: c.5472+4G>T (NM_001100112.2).
Identifiers: ClinVar variation 3692088 (VCV003692088.2).